The following is an entry in ClinVar:

ClinVar aggregate classification (germline): Uncertain significance (1 of 4 stars; one submission).

Conditions:
Ehlers-Danlos syndrome, classic type, 1 (EDSCL1). Also called: EHLERS-DANLOS SYNDROME, GRAVIS TYPE; EHLERS-DANLOS SYNDROME, SEVERE CLASSIC TYPE; Ehlers-Danlos syndrome, type 1; Ehlers-Danlos Syndrome, Classic Type, COL5A1-Related; EDS I. Identifiers: MedGen C0268335, MONDO:0019567, OMIM 130000.
Osteogenesis imperfecta type I (OI1). Also called: OI, TYPE I; OSTEOGENESIS IMPERFECTA TARDA; OSTEOGENESIS IMPERFECTA WITH BLUE SCLERAE; Osteogenesis imperfecta type 1; Lobstein's Disease; Lobstein disease. Identifiers: Orphanet 216796, Orphanet 666, MedGen C0023931, MONDO:0008146, OMIM 166200. Disease mechanism: loss of function.

Submission:

Labcorp Genetics (formerly Invitae), Labcorp
Classification: Uncertain significance for Osteogenesis imperfecta type I; Ehlers-Danlos syndrome, classic type, 1. Last evaluated: 2024-08-10. Review status: criteria provided, single submitter. Criteria: Invitae Variant Classification Sherloc (09022015). Collection method: clinical testing. Allele origin: germline.
Comment: This sequence change replaces alanine, which is neutral and non-polar, with threonine, which is neutral and polar, at codon 765 of the COL1A2 protein (p.Ala765Thr). This variant is not present in population databases (gnomAD no frequency). This variant has not been reported in the literature in individuals affected with COL1A2-related conditions. Experimental studies and prediction algorithms are not available or were not evaluated, and the functional significance of this variant is currently unknown. In summary, the available evidence is currently insufficient to determine the role of this variant in disease. Therefore, it has been classified as a Variant of Uncertain Significance.

NM_000089.4(COL1A2):c.2293G>A (p.Ala765Thr)

Gene: COL1A2 (collagen type I alpha 2 chain; plus strand). Cytogenetic location: 7q21.3.
Variant type: single nucleotide variant.
Coding change: c.2293G>A on transcript NM_000089.4 (MANE Select); coding-DNA position 2293, G replaced by A.
Protein change: p.Ala765Thr; replaces alanine 765 with threonine.
Molecular consequence: missense variant.
Genome position (GRCh38, 1-based): chr7:94,420,646, G>A. VCF-style: chr7-94420646-G-A. GRCh37 (hg19) VCF-style: chr7-94049958-G-A.
Other names: short protein forms A765T.
Identifiers: ClinVar variation 3749190 (VCV003749190.2).
Genomic context (GRCh38, chr7:94,420,646, plus strand): 5'-GGGCCTAAGGGTGAAAACGGTGTTGTTGGTCCCACAGGCCCCGTTGGAGCTGCTGGCCCA[G>A]CTGTAAGTTGAATTCACTGGTGGTCCACACAGCAGCTACCCATTAGATCTTCCAATTAAA-3'
Protein context (NP_000080.2, residues 755-775): PTGPVGAAGP[Ala765Thr]GPNGPPGPAG